The following is an entry in ClinVar:

ClinVar aggregate classification (germline): Uncertain significance (1 of 4 stars; one submission).

gnomAD v4.1: 1 of 1,603,726 alleles (0.000062%); highest among the groups gnomAD compares: Non-Finnish European, 0.000085%; no homozygotes.

Submission:

GeneDx
Classification: Uncertain significance. Last evaluated: 2022-06-14. Review status: criteria provided, single submitter. Criteria: GeneDx Variant Classification Process June 2021. Collection method: clinical testing. Allele origin: germline. Affected: yes.
Comment: Not observed at significant frequency in large population cohorts (gnomAD); In silico analysis supports that this missense variant has a deleterious effect on protein structure/function; Has not been previously published as pathogenic or benign to our knowledge; Variants in candidate genes are classified as variants of uncertain significance in accordance with ACMG guidelines (Richards et al., 2015)

NM_001146156.2(GSK3B):c.499C>G (p.Arg167Gly)

Gene: GSK3B (glycogen synthase kinase 3 beta; minus strand). Cytogenetic location: 3q13.33.
Variant type: single nucleotide variant.
Coding change: c.499C>G on transcript NM_001146156.2 (MANE Select); coding-DNA position 499, C replaced by G.
Protein change: p.Arg167Gly; replaces arginine 167 with glycine.
Molecular consequence: missense variant.
Genome position (GRCh38, 1-based): chr3:119,916,153, G>C on the plus strand (C>G on the coding strand, the complement: GSK3B is on the minus strand). VCF-style: chr3-119916153-G-C. GRCh37 (hg19) VCF-style: chr3-119635000-G-C.
Other names: c.499C>G, p.Arg167Gly (NM_001354596.2, NM_002093.4); short protein forms R167G.
Identifiers: ClinVar variation 3390614 (VCV003390614.1).